The following is an entry in ClinVar:

ClinVar aggregate classification (germline): Uncertain significance (1 of 4 stars; one submission).

gnomAD v4.1: 3 of 1,614,028 alleles (0.00019%); highest among the groups gnomAD compares: Admixed American, 0.0033%; no homozygotes.

Submission:

Dasa
Classification: Uncertain significance. Last evaluated: 2026-08-10. Review status: criteria provided, single submitter. Criteria: DASA Assertion Criteria. Collection method: clinical testing. Allele origin: germline.
Comment: NM_032444.4(SLX4):c.5388G>C (p.Arg1796Ser) is a missense variant that results in the substitution of arginine with serine. This variant is rare in population databases. Computational prediction algorithms are consistent with a benign effect. The currently available literature and clinical evidence are not sufficient to establish a definitive association between this variant and the reported condition. Therefore, this variant is classified as a variant of uncertain significance.

NM_032444.4(SLX4):c.5388G>C (p.Arg1796Ser)

Gene: SLX4 (SLX4 structure-specific endonuclease subunit; minus strand). Cytogenetic location: 16p13.3.
Variant type: single nucleotide variant.
Coding change: c.5388G>C on transcript NM_032444.4 (MANE Select); coding-DNA position 5388, G replaced by C.
Protein change: p.Arg1796Ser; replaces arginine 1796 with serine.
Molecular consequence: missense variant.
Genome position (GRCh38, 1-based): chr16:3,582,459, C>G on the plus strand (G>C on the coding strand, the complement: SLX4 is on the minus strand). VCF-style: chr16-3582459-C-G. GRCh37 (hg19) VCF-style: chr16-3632460-C-G.
Other names: short protein forms R1796S.
Identifiers: ClinVar variation 5020300 (VCV005020300.1).